The following is an entry in ClinVar:

NM_000888.5(ITGB6):c.1312G>A (p.Val438Met)

Gene: ITGB6 (integrin subunit beta 6; minus strand). Cytogenetic location: 2q24.2.
Variant type: single nucleotide variant.
Coding change: c.1312G>A on transcript NM_000888.5 (MANE Select); coding-DNA position 1312, G replaced by A.
Protein change: p.Val438Met; replaces valine 438 with methionine.
Molecular consequence: missense variant.
Genome position (GRCh38, 1-based): chr2:160,137,782, C>T on the plus strand (G>A on the coding strand, the complement: ITGB6 is on the minus strand). VCF-style: chr2-160137782-C-T. GRCh37 (hg19) VCF-style: chr2-160994293-C-T.
Other names: c.1312G>A, p.Val438Met (NM_001282353.2, NM_001282355.2); c.1027G>A, p.Val343Met (NM_001282354.2); c.1186G>A, p.Val396Met (NM_001282388.2); c.1093G>A, p.Val365Met (NM_001282389.2); c.898G>A, p.Val300Met (NM_001282390.2); short protein forms V300M, V343M, V396M, V438M, V365M.
Identifiers: ClinVar variation 790339 (VCV000790339.31), dbSNP rs61737764, ClinGen allele CA1929238.

ClinVar aggregate classification (germline): Benign. Review status: criteria provided, multiple submitters, no conflicts (2 of 4 stars). 4 submissions from 4 submitters: Benign (4). Last evaluated 2026-03-01.

Conditions:
Amelogenesis imperfecta type 1H. Also called: Amelogenesis imperfecta, type IH. Identifiers: Orphanet 88661, MedGen C4015557, MONDO:0014540, OMIM 616221.

Allele frequency attached by ClinVar (database versions not stated): gnomAD 0.00345 and 0.00427; TOPMed 0.00371; ESP Exome Variant Server 0.00431; gnomAD exomes 0.00589 and 0.00798; 1000 Genomes Project 0.00659; 1000 Genomes Project 30x 0.00687; ExAC 0.00892.
gnomAD v4.1: 9,327 of 1,614,186 alleles (0.58%); highest among the groups gnomAD compares: South Asian, 2.8%; 92 homozygotes.

Submissions (4):

CeGaT Center for Human Genetics Tuebingen
Classification: Benign. Last evaluated: 2026-03-01. Review status: criteria provided, single submitter. Criteria: CeGaT Center For Human Genetics Tuebingen Variant Classification Criteria Version 2. Collection method: clinical testing. Allele origin: germline. Affected: yes. Observed: 3 variant alleles.
Comment: ITGB6: BP4, BS1, BS2

MGZ Medical Genetics Center
Classification: Benign for Amelogenesis imperfecta type 1H. Last evaluated: 2022-01-03. Review status: criteria provided, single submitter. Criteria: ACMG Guidelines, 2015. Collection method: clinical testing. Allele origin: germline. Affected: yes. Observed: 2 variant alleles.
Comment: ACMG criteria applied: BS1, BS2

Labcorp Genetics (formerly Invitae), Labcorp
Classification: Benign. Last evaluated: 2019-12-31. Review status: criteria provided, single submitter. Criteria: Invitae Variant Classification Sherloc (09022015). Collection method: clinical testing. Allele origin: germline.

Breakthrough Genomics
Classification: Benign. Review status: criteria provided, single submitter. Criteria: ACMG Guidelines, 2015. Collection method: not provided. Allele origin: germline. Inheritance: Autosomal recessive inheritance. Affected: yes.